The following is an entry in ClinVar:

ClinVar aggregate classification (germline): Likely benign. Review status: criteria provided, multiple submitters, no conflicts (2 of 4 stars). 2 submissions from 2 submitters: Likely benign (2). Last evaluated 2024-06-24.

Conditions:
Tuberous sclerosis syndrome (TSC). Also called: Tuberous Sclerosis Complex; Tuberous sclerosis. Identifiers: Orphanet 805, MedGen C0041341, MONDO:0001734.
Tuberous sclerosis 2 (TSC2). Identifiers: Orphanet 805, MedGen C1860707, MONDO:0013199, OMIM 613254.

Submissions (2):

Labcorp Genetics (formerly Invitae), Labcorp
Classification: Likely benign for Tuberous sclerosis 2. Last evaluated: 2024-06-24. Review status: criteria provided, single submitter. Criteria: Invitae Variant Classification Sherloc (09022015). Collection method: clinical testing. Allele origin: germline.

All of Us Research Program, National Institutes of Health
Classification: Likely benign for Tuberous sclerosis syndrome. Last evaluated: 2023-11-20. Review status: criteria provided, single submitter. Criteria: ACMG Guidelines, 2015. Collection method: clinical testing. Allele origin: germline. Inheritance: Autosomal dominant inheritance. Observed: 1 variant allele, 1 heterozygote.
Comment: This study involves interpretation of variants in research participants for the purpose of population health screening. Participant phenotype was not available at the time of variant classification. Additional details can be found in publication PMID: 35346344, PMCID: PMC8962531

NM_000548.5(TSC2):c.2202C>T (p.Cys734=)

Gene: TSC2 (TSC complex subunit 2; plus strand). Cytogenetic location: 16p13.3.
Variant type: single nucleotide variant.
Coding change: c.2202C>T on transcript NM_000548.5 (MANE Select); coding-DNA position 2202, C replaced by T.
Protein change: p.Cys734=; no amino-acid change (cysteine 734 retained).
Molecular consequence: synonymous variant. On other transcripts: non-coding transcript variant (5).
Genome position (GRCh38, 1-based): chr16:2,072,345, C>T. VCF-style: chr16-2072345-C-T. GRCh37 (hg19) VCF-style: chr16-2122346-C-T.
Other names: c.2202C>T, p.Cys734= (NM_001077183.3, NM_001114382.3, NM_001363528.2 and 6 more transcripts); c.2091C>T, p.Cys697= (NM_001318827.2, NM_001406670.1, NM_001406678.1); c.2055C>T, p.Cys685= (NM_001318829.2, NM_001406675.1, NM_001406676.1 and 1 more transcripts); c.1602C>T, p.Cys534= (NM_001318831.2, NM_001406680.1, NM_001406682.1 and 6 more transcripts); c.2235C>T, p.Cys745= (NM_001318832.2); c.2292C>T, p.Cys764= (NM_001406667.1, NM_001406668.1); c.2190C>T, p.Cys730= (NM_001406671.1, NM_001406673.1); c.2145C>T, p.Cys715= (NM_001406677.1); and 3 more.
Identifiers: ClinVar variation 3074470 (VCV003074470.3), dbSNP rs2151319241, ClinGen allele CA492951260.
Genomic context (GRCh38, chr16:2,072,345, plus strand): 5'-TGAGTCCCTGCGCTATAAAGTGCTCATCTTTACTTCCCCTTGCAGTGTGGACCAGCTGTG[C>T]TCTGCTCTCTGCTCCATGGTACCATGGCCGGCCTGGGGTTGGGGTGGGGGACCCAGTAGG-3'
Protein context (NP_000539.2, residues 724-744): FTSPCSVDQL[Cys734=]SALCSMLSGP